The following is an entry in ClinVar:

ClinVar aggregate classification (germline): Uncertain significance. Review status: criteria provided, multiple submitters, no conflicts (2 of 4 stars). 2 submissions from 2 submitters: Uncertain significance (2). Last evaluated 2025-06-11.

Conditions:
Dilated cardiomyopathy 1G (CMD1G). Identifiers: Orphanet 154, MedGen C1858763, MONDO:0011400, OMIM 604145.
Autosomal recessive limb-girdle muscular dystrophy type 2J (LGMDR10). Also called: MUSCULAR DYSTROPHY, LIMB-GIRDLE, AUTOSOMAL RECESSIVE 10; Limb-girdle muscular dystrophy, type 2J. Identifiers: Orphanet 140922, MedGen C1837342, MONDO:0012127, OMIM 608807.

Submissions (2):

Labcorp Genetics (formerly Invitae), Labcorp
Classification: Uncertain significance for Dilated cardiomyopathy 1G; Autosomal recessive limb-girdle muscular dystrophy type 2J. Last evaluated: 2025-06-11. Review status: criteria provided, single submitter. Criteria: Invitae Variant Classification Sherloc (09022015). Collection method: clinical testing. Allele origin: germline.
Comment: This sequence change falls in intron 352 of the TTN gene. It does not directly change the encoded amino acid sequence of the TTN protein. It affects a nucleotide within the consensus splice site. This variant is not present in population databases (gnomAD no frequency). This variant has not been reported in the literature in individuals affected with TTN-related conditions. ClinVar contains an entry for this variant (Variation ID: 1022998). Variants that disrupt the consensus splice site are a relatively common cause of aberrant splicing (PMID: 17576681, 9536098). Algorithms developed to predict the effect of sequence changes on RNA splicing suggest that this variant may disrupt the consensus splice site. This variant is located in the A band of TTN (PMID: 25589632). Variants in this region may be relevant for cardiac or neuromuscular disorders (PMID: 25589632, 23975875). In summary, the available evidence is currently insufficient to determine the role of this variant in disease. Therefore, it has been classified as a Variant of Uncertain Significance.

GeneDx
Classification: Uncertain significance. Last evaluated: 2021-06-10. Review status: criteria provided, single submitter. Criteria: GeneDx Variant Classification Process June 2021. Collection method: clinical testing. Allele origin: germline. Affected: yes.
Comment: Has not been previously published as pathogenic or benign to our knowledge; Reported in ClinVar as a variant of uncertain significance (ClinVar Variant ID# 1022998; Landrum et al., 2016); Not observed at significant frequency in large population cohorts (Lek et al., 2016); In silico analysis supports a deleterious effect on splicing; This variant is associated with the following publications: (PMID: 27535533, 26582918)

Literature cited by the submitters: PubMed 17576681 (cited by Labcorp Genetics (formerly Invitae), Labcorp); PubMed 9536098 (cited by Labcorp Genetics (formerly Invitae), Labcorp); PubMed 25589632 (cited by Labcorp Genetics (formerly Invitae), Labcorp); PubMed 23975875 (cited by Labcorp Genetics (formerly Invitae), Labcorp).

NM_001267550.2(TTN):c.98683+3A>C

Genes: TTN-AS1 (TTN antisense RNA 1; plus strand), TTN (titin; minus strand). Cytogenetic location: 2q31.2.
Variant type: single nucleotide variant.
Coding change: c.98683+3A>C on transcript NM_001267550.2 (MANE Select); 3 bases into the intron after coding-DNA position 98683, A replaced by C.
Molecular consequence: intron variant. On other transcripts: non-coding transcript variant (1).
Genome position (GRCh38, 1-based): chr2:178,539,379, T>G on the plus strand (A>C on the coding strand, the complement: TTN is on the minus strand). VCF-style: chr2-178539379-T-G. GRCh37 (hg19) VCF-style: chr2-179404106-T-G.
Other names: c.71488+3A>C (NM_003319.4); c.72064+3A>C (NM_133437.4); c.71863+3A>C (NM_133432.3); c.90979+3A>C (NM_133378.4); c.93760+3A>C (NM_001256850.1).
Identifiers: ClinVar variation 1022998 (VCV001022998.13), dbSNP rs1693285723, ClinGen allele CA430240460.